The following is an entry in ClinVar:

NM_006206.6(PDGFRA):c.872C>G (p.Ala291Gly)

Gene: PDGFRA (platelet derived growth factor receptor alpha; plus strand). Cytogenetic location: 4q12.
Variant type: single nucleotide variant.
Coding change: c.872C>G on transcript NM_006206.6 (MANE Select); coding-DNA position 872, C replaced by G.
Protein change: p.Ala291Gly; replaces alanine 291 with glycine.
Molecular consequence: missense variant.
Genome position (GRCh38, 1-based): chr4:54,267,401, C>G. VCF-style: chr4-54267401-C-G. GRCh37 (hg19) VCF-style: chr4-55133568-C-G.
Other names: c.872C>G, p.Ala291Gly (NM_001347827.2, NM_001347829.2); c.947C>G, p.Ala316Gly (NM_001347828.2); c.911C>G, p.Ala304Gly (NM_001347830.2); short protein forms A291G, A304G, A316G.
Identifiers: ClinVar variation 240365 (VCV000240365.9), dbSNP rs774527841, ClinGen allele CA2922408.

ClinVar aggregate classification (germline): Uncertain significance. Review status: criteria provided, multiple submitters, no conflicts (2 of 4 stars). 2 submissions from 2 submitters: Uncertain significance (2). Last evaluated 2025-03-31.

Conditions:
Hereditary cancer-predisposing syndrome. Also called: Neoplastic Syndromes, Hereditary; Hereditary neoplastic syndrome; Hereditary Cancer Syndrome; Tumor predisposition. Identifiers: Orphanet 140162, MedGen C0027672, MeSH D009386, MONDO:0015356.
Gastrointestinal stromal tumor. Also called: Gastrointestinal stromal tumor, somatic; Gastrointestinal stroma tumor. Identifiers: Orphanet 44890, MedGen C0238198, MeSH D046152, MONDO:0011719, OMIM 606764, HP:0100723.

Allele frequency attached by ClinVar (database versions not stated): gnomAD exomes below 0.00001; TOPMed below 0.00001; ExAC 0.00002.

Submissions (2):

Labcorp Genetics (formerly Invitae), Labcorp
Classification: Uncertain significance for Gastrointestinal stromal tumor. Last evaluated: 2025-03-31. Review status: criteria provided, single submitter. Criteria: Invitae Variant Classification Sherloc (09022015). Collection method: clinical testing. Allele origin: germline.
Comment: This sequence change replaces alanine, which is neutral and non-polar, with glycine, which is neutral and non-polar, at codon 291 of the PDGFRA protein (p.Ala291Gly). This variant is present in population databases (rs774527841, gnomAD 0.002%). This variant has not been reported in the literature in individuals affected with PDGFRA-related conditions. ClinVar contains an entry for this variant (Variation ID: 240365). Invitae Evidence Modeling of protein sequence and biophysical properties (such as structural, functional, and spatial information, amino acid conservation, physicochemical variation, residue mobility, and thermodynamic stability) indicates that this missense variant is not expected to disrupt PDGFRA protein function with a negative predictive value of 80%. In summary, the available evidence is currently insufficient to determine the role of this variant in disease. Therefore, it has been classified as a Variant of Uncertain Significance.

Ambry Genetics
Classification: Uncertain significance for Hereditary cancer-predisposing syndrome. Last evaluated: 2025-01-30. Review status: criteria provided, single submitter. Criteria: Ambry Variant Classification Scheme 2023. Collection method: clinical testing. Allele origin: germline.
Comment: The p.A291G variant (also known as c.872C>G), located in coding exon 5 of the PDGFRA gene, results from a C to G substitution at nucleotide position 872. The alanine at codon 291 is replaced by glycine, an amino acid with similar properties. This amino acid position is not well conserved in available vertebrate species. In addition, this alteration is predicted to be tolerated by in silico analysis. Based on the available evidence, the clinical significance of this variant remains unclear.